The following is an entry in ClinVar:

ClinVar aggregate classification (germline): Benign/Likely benign. Review status: criteria provided, multiple submitters, no conflicts (2 of 4 stars). 2 submissions from 2 submitters: Benign (1); Likely benign (1). Last evaluated 2025-09-19.

Allele frequency attached by ClinVar (database versions not stated): gnomAD exomes 0.00027 and 0.00062; ESP Exome Variant Server 0.00031; TOPMed 0.00036; gnomAD 0.00037 and 0.00038; ExAC 0.00045.
gnomAD v4.1: 500 of 1,613,542 alleles (0.031%); highest among the groups gnomAD compares: Admixed American, 0.05%; 3 homozygotes.

Submissions (2):

Labcorp Genetics (formerly Invitae), Labcorp
Classification: Benign. Last evaluated: 2025-09-19. Review status: criteria provided, single submitter. Criteria: Invitae Variant Classification Sherloc (09022015). Collection method: clinical testing. Allele origin: germline.

CeGaT Center for Human Genetics Tuebingen
Classification: Likely benign. Last evaluated: 2024-02-01. Review status: criteria provided, single submitter. Criteria: CeGaT Center For Human Genetics Tuebingen Variant Classification Criteria Version 2. Collection method: clinical testing. Allele origin: germline. Affected: yes. Observed: 1 variant allele.
Comment: PLEKHG2: BS1

NM_022835.3(PLEKHG2):c.472T>C (p.Phe158Leu)

Gene: PLEKHG2 (pleckstrin homology and RhoGEF domain containing G2; plus strand). Cytogenetic location: 19q13.2.
Variant type: single nucleotide variant.
Coding change: c.472T>C on transcript NM_022835.3 (MANE Select); coding-DNA position 472, T replaced by C.
Protein change: p.Phe158Leu; replaces phenylalanine 158 with leucine.
Molecular consequence: missense variant.
Genome position (GRCh38, 1-based): chr19:39,415,432, T>C. VCF-style: chr19-39415432-T-C. GRCh37 (hg19) VCF-style: chr19-39906072-T-C.
Other names: c.295T>C, p.Phe99Leu (NM_001351693.2); c.472T>C, p.Phe158Leu (NM_001351694.2); short protein forms F158L, F99L.
Identifiers: ClinVar variation 1604112 (VCV001604112.30), dbSNP rs201038820, ClinGen allele CA9429069.
Genomic context (GRCh38, chr19:39,415,432, plus strand): 5'-CTGGGGCTGAGCGTGGAGCAGGTGGGCACGCTGTTTGCCAACATTGAGGACATCTACGAG[T>C]TCAGCAGGTCAGGGGCAGGGGGGACAGGCAGGGGGCATTGATTGGTTGGAGGGTCTATTT-3'
Protein context (NP_073746.2, residues 148-168): LFANIEDIYE[Phe158Leu]SSELLEDLEN